The following is an entry in ClinVar:

ClinVar aggregate classification (germline): Uncertain significance (1 of 4 stars; one submission).

Allele frequency attached by ClinVar (database versions not stated): gnomAD exomes below 0.00001.
gnomAD v4.1: 2 of 1,613,916 alleles (0.00012%); highest among the groups gnomAD compares: African/African-American, 0.0013%; no homozygotes.

Submission:

Labcorp Genetics (formerly Invitae), Labcorp
Classification: Uncertain significance. Last evaluated: 2022-02-09. Review status: criteria provided, single submitter. Criteria: Invitae Variant Classification Sherloc (09022015). Collection method: clinical testing. Allele origin: germline.
Comment: This sequence change replaces methionine, which is neutral and non-polar, with valine, which is neutral and non-polar, at codon 226 of the CEP78 protein (p.Met226Val). This variant is present in population databases (no rsID available, gnomAD 0.007%). In summary, the available evidence is currently insufficient to determine the role of this variant in disease. Therefore, it has been classified as a Variant of Uncertain Significance. Algorithms developed to predict the effect of missense changes on protein structure and function are either unavailable or do not agree on the potential impact of this missense change (SIFT: "Tolerated"; PolyPhen-2: "Probably Damaging"; Align-GVGD: "Class C0"). This variant has not been reported in the literature in individuals affected with CEP78-related conditions.

NM_001330691.3(CEP78):c.676A>G (p.Met226Val)

Gene: CEP78 (centrosomal protein 78; plus strand). Cytogenetic location: 9q21.2.
Variant type: single nucleotide variant.
Coding change: c.676A>G on transcript NM_001330691.3 (MANE Select); coding-DNA position 676, A replaced by G.
Protein change: p.Met226Val; replaces methionine 226 with valine.
Molecular consequence: missense variant.
Genome position (GRCh38, 1-based): chr9:78,243,534, A>G. VCF-style: chr9-78243534-A-G. GRCh37 (hg19) VCF-style: chr9-80858450-A-G.
Other names: c.676A>G, p.Met226Val (NM_001098802.3, NM_001330693.3, NM_001330694.2 and 4 more transcripts); short protein forms M226V.
Identifiers: ClinVar variation 1368285 (VCV001368285.8), dbSNP rs1338556218, ClinGen allele CA374000536.